The following is an entry in ClinVar:

NM_014141.6(CNTNAP2):c.2320G>A (p.Asp774Asn)

Gene: CNTNAP2 (contactin associated protein 2; plus strand). Cytogenetic location: 7q35.
Variant type: single nucleotide variant.
Coding change: c.2320G>A on transcript NM_014141.6 (MANE Select); coding-DNA position 2320, G replaced by A.
Protein change: p.Asp774Asn; replaces aspartic acid 774 with asparagine.
Molecular consequence: missense variant.
Genome position (GRCh38, 1-based): chr7:147,977,926, G>A. VCF-style: chr7-147977926-G-A. GRCh37 (hg19) VCF-style: chr7-147675018-G-A.
Other names: short protein forms D774N.
Identifiers: ClinVar variation 1488714 (VCV001488714.8), dbSNP rs779885390, ClinGen allele CA369927683.

ClinVar aggregate classification (germline): Uncertain significance (1 of 4 stars; one submission).

Conditions:
Cortical dysplasia-focal epilepsy syndrome (PTHSL1). Also called: Pitt-Hopkins-like syndrome 1. Identifiers: Orphanet 163681, Orphanet 221150, MedGen C2750246, MONDO:0012400, OMIM 610042.

Submission:

Labcorp Genetics (formerly Invitae), Labcorp
Classification: Uncertain significance for Cortical dysplasia-focal epilepsy syndrome. Last evaluated: 2022-01-14. Review status: criteria provided, single submitter. Criteria: Invitae Variant Classification Sherloc (09022015). Collection method: clinical testing. Allele origin: germline.
Comment: This sequence change replaces aspartic acid, which is acidic and polar, with asparagine, which is neutral and polar, at codon 774 of the CNTNAP2 protein (p.Asp774Asn). This variant is not present in population databases (gnomAD no frequency). In summary, the available evidence is currently insufficient to determine the role of this variant in disease. Therefore, it has been classified as a Variant of Uncertain Significance. Algorithms developed to predict the effect of missense changes on protein structure and function are either unavailable or do not agree on the potential impact of this missense change (SIFT: "Deleterious"; PolyPhen-2: "Possibly Damaging"; Align-GVGD: "Class C15"). This variant has not been reported in the literature in individuals affected with CNTNAP2-related conditions.